The following is an entry in ClinVar:

ClinVar aggregate classification (germline): Likely benign (1 of 4 stars; one submission).

gnomAD v4.1: 30 of 1,614,014 alleles (0.0019%); highest among the groups gnomAD compares: Admixed American, 0.018%; no homozygotes.

Submission:

CeGaT Center for Human Genetics Tuebingen
Classification: Likely benign. Last evaluated: 2026-06-01. Review status: criteria provided, single submitter. Criteria: CeGaT Center For Human Genetics Tuebingen Variant Classification Criteria Version 2. Collection method: clinical testing. Allele origin: germline. Affected: yes. Observed: 1 variant allele.
Comment: PKD1L1: BP4, BP7

NM_138295.5(PKD1L1):c.1278C>T (p.Thr426=)

Gene: PKD1L1 (polycystin 1 like 1, transient receptor potential channel interacting; minus strand). Cytogenetic location: 7p12.3.
Variant type: single nucleotide variant.
Coding change: c.1278C>T on transcript NM_138295.5 (MANE Select); coding-DNA position 1278, C replaced by T.
Protein change: p.Thr426=; no amino-acid change (threonine 426 retained).
Molecular consequence: synonymous variant.
Genome position (GRCh38, 1-based): chr7:47,908,201, G>A on the plus strand (C>T on the coding strand, the complement: PKD1L1 is on the minus strand). VCF-style: chr7-47908201-G-A. GRCh37 (hg19) VCF-style: chr7-47947798-G-A.
Identifiers: ClinVar variation 4872658 (VCV004872658.2).
Genomic context (GRCh38, chr7:47,908,201, plus strand): 5'-CATGAACGCAGACACGGCCTCATGGCCAATCTCCACATAATAAGGCCCAAGCTCCACTTC[G>A]GTTCCATGAAACTCGTTATAAATAACAGCCTTGAGCATATAGACTCCTTCTGGAAAAATA-3'
Protein context (NP_612152.1, residues 416-436): KAVIYNEFHG[Thr426=]EVELGPYYVE